The following is an entry in ClinVar:

ClinVar aggregate classification (germline): Likely benign (1 of 4 stars; one submission).

gnomAD v4.1: 1 of 1,598,212 alleles (0.000063%); highest among the groups gnomAD compares: Non-Finnish European, 0.000085%; no homozygotes.

Submission:

CeGaT Center for Human Genetics Tuebingen
Classification: Likely benign. Last evaluated: 2024-02-01. Review status: criteria provided, single submitter. Criteria: CeGaT Center For Human Genetics Tuebingen Variant Classification Criteria Version 2. Collection method: clinical testing. Allele origin: germline. Affected: yes. Observed: 1 variant allele.
Comment: NECTIN1: PM2:Supporting, BP4, BP7

NM_002855.5(NECTIN1):c.1047C>G (p.Ala349=)

Gene: NECTIN1 (nectin cell adhesion molecule 1; minus strand). Cytogenetic location: 11q23.3.
Variant type: single nucleotide variant.
Coding change: c.1047C>G on transcript NM_002855.5 (MANE Select); coding-DNA position 1047, C replaced by G.
Protein change: p.Ala349=; no amino-acid change (alanine 349 retained).
Molecular consequence: synonymous variant. On other transcripts: intron variant (1).
Genome position (GRCh38, 1-based): chr11:119,665,254, G>C on the plus strand (C>G on the coding strand, the complement: NECTIN1 is on the minus strand). VCF-style: chr11-119665254-G-C. GRCh37 (hg19) VCF-style: chr11-119535964-G-C.
Other names: c.1003+9905C>G (NM_203285.2).
Identifiers: ClinVar variation 3026319 (VCV003026319.22), dbSNP rs372634692, ClinGen allele CA477379124.